The following is an entry in ClinVar:

ClinVar aggregate classification (germline): Benign/Likely benign. Review status: criteria provided, multiple submitters, no conflicts (2 of 4 stars). 3 submissions from 3 submitters: Benign (1); Likely benign (1). 1 of the submissions does not count toward it. Last evaluated 2025-10-29.

Conditions:
Inborn genetic diseases. Identifiers: MedGen C0950123, MeSH D030342.
KMT2D-related disorder. Also called: KMT2D-Related Disorders.
Kabuki syndrome. Also called: Kabuki make-up syndrome; NIIKAWA-KUROKI SYNDROME. Identifiers: Orphanet 2322, MedGen C0796004, MONDO:0016512.

Allele frequency attached by ClinVar (database versions not stated): gnomAD 0.00001; gnomAD exomes 0.00001 and 0.00002; TOPMed 0.00002.
gnomAD v4.1: 29 of 1,613,704 alleles (0.0018%); highest among the groups gnomAD compares: Non-Finnish European, 0.0022%; no homozygotes.

Submissions (3):

Labcorp Genetics (formerly Invitae), Labcorp
Classification: Benign for Kabuki syndrome. Last evaluated: 2025-10-29. Review status: criteria provided, single submitter. Criteria: Invitae Variant Classification Sherloc (09022015). Collection method: clinical testing. Allele origin: germline.

Ambry Genetics
Classification: Likely benign for Inborn genetic diseases. Last evaluated: 2021-09-17. Review status: criteria provided, single submitter. Criteria: Ambry Variant Classification Scheme 2023. Collection method: clinical testing. Allele origin: germline.

PreventionGenetics, part of Exact Sciences
Classification: Likely benign for KMT2D-related condition. Last evaluated: 2024-01-08. Review status: no assertion criteria provided. Collection method: clinical testing. Allele origin: germline. Not counted in ClinVar's aggregate classification.
Comment: This variant is classified as likely benign based on ACMG/AMP sequence variant interpretation guidelines (Richards et al. 2015 PMID: 25741868, with internal and published modifications).

NM_003482.4(KMT2D):c.6935C>T (p.Ser2312Leu)

Gene: KMT2D (lysine methyltransferase 2D; minus strand). Cytogenetic location: 12q13.12.
Variant type: single nucleotide variant.
Coding change: c.6935C>T on transcript NM_003482.4 (MANE Select); coding-DNA position 6935, C replaced by T.
Protein change: p.Ser2312Leu; replaces serine 2312 with leucine.
Molecular consequence: missense variant.
Genome position (GRCh38, 1-based): chr12:49,040,835, G>A on the plus strand (C>T on the coding strand, the complement: KMT2D is on the minus strand). VCF-style: chr12-49040835-G-A. GRCh37 (hg19) VCF-style: chr12-49434618-G-A.
Other names: c.6935C>T (NM_003482.3); short protein forms S2312L.
Identifiers: ClinVar variation 1433776 (VCV001433776.11), dbSNP rs949690934, ClinGen allele CA236648513.